The following is an entry in ClinVar:

NM_001130965.3(SUN1):c.326G>C (p.Arg109Thr)

Gene: SUN1 (Sad1 and UNC84 domain containing 1; plus strand). Cytogenetic location: 7p22.3.
Variant type: single nucleotide variant.
Coding change: c.326G>C on transcript NM_001130965.3 (MANE Select); coding-DNA position 326, G replaced by C.
Protein change: p.Arg109Thr; replaces arginine 109 with threonine.
Molecular consequence: missense variant. On other transcripts: 5 prime UTR variant (4), non-coding transcript variant (3).
Genome position (GRCh38, 1-based): chr7:842,005, G>C. VCF-style: chr7-842005-G-C. GRCh37 (hg19) VCF-style: chr7-881642-G-C.
Other names: c.176G>C, p.Arg59Thr (NM_001367706.1, NM_025154.6, NM_001367636.1 and 24 more transcripts); c.-242G>C (NM_001367708.1, NM_001367639.1); c.326G>C, p.Arg109Thr (NM_001171944.2, NM_001171946.2, NM_001367633.1 and 34 more transcripts); c.389G>C, p.Arg130Thr (NM_001171945.2); c.-132G>C (NM_001367635.1); c.545G>C, p.Arg182Thr (NM_001367651.1); c.-436G>C (NM_001367658.1); c.137G>C, p.Arg46Thr (NM_001367695.1); short protein forms R109T, R130T, R182T, R59T, R46T.
Identifiers: ClinVar variation 639158 (VCV000639158.1), dbSNP rs778427452, ClinGen allele CA366546948.

ClinVar aggregate classification (germline): Uncertain significance (1 of 4 stars; one submission).

Conditions:
Emery-Dreifuss muscular dystrophy (EDMD). Also called: Scapuloperoneal syndrome, X-linked (formerly); Humeroperoneal neuromuscular disease, (formerly). Identifiers: Orphanet 261, MedGen C0410189, MONDO:0016830.

Submission:

Labcorp Genetics (formerly Invitae), Labcorp
Classification: Uncertain significance for Emery-Dreifuss muscular dystrophy. Last evaluated: 2018-11-08. Review status: criteria provided, single submitter. Criteria: Invitae Variant Classification Sherloc (09022015). Collection method: clinical testing. Allele origin: germline.
Comment: This sequence change replaces arginine with threonine at codon 109 of the SUN1 protein (p.Arg109Thr). The arginine residue is moderately conserved and there is a moderate physicochemical difference between arginine and threonine. This variant is not present in population databases (ExAC no frequency). This variant has not been reported in the literature in individuals with SUN1-related disease. Algorithms developed to predict the effect of missense changes on protein structure and function are either unavailable or do not agree on the potential impact of this missense change (SIFT: "Tolerated"; PolyPhen-2: "Probably Damaging"; Align-GVGD: "Class C0"). In summary, the available evidence is currently insufficient to determine the role of this variant in disease. Therefore, it has been classified as a Variant of Uncertain Significance.